The following is an entry in ClinVar:

NM_015995.4(KLF13):c.372G>C (p.Glu124Asp)

Gene: KLF13 (KLF transcription factor 13; plus strand). Cytogenetic location: 15q13.3.
Variant type: single nucleotide variant.
Coding change: c.372G>C on transcript NM_015995.4 (MANE Select); coding-DNA position 372, G replaced by C.
Protein change: p.Glu124Asp; replaces glutamic acid 124 with aspartic acid.
Molecular consequence: missense variant.
Genome position (GRCh38, 1-based): chr15:31,327,584, G>C. VCF-style: chr15-31327584-G-C. GRCh37 (hg19) VCF-style: chr15-31619787-G-C.
Other names: c.372G>C (NM_015995.2); c.372G>C, p.Glu124Asp (NM_001302461.2); short protein forms E124D.
Identifiers: ClinVar variation 726688 (VCV000726688.10), dbSNP rs568489216, ClinGen allele CA7453238.

ClinVar aggregate classification (germline): Conflicting classifications of pathogenicity. Review status: criteria provided, conflicting classifications (1 of 4 stars). 4 submissions from 4 submitters: Uncertain significance (1); Likely benign (3). Last evaluated 2026-05-01.

Allele frequency attached by ClinVar (database versions not stated): gnomAD 0.00226; TOPMed 0.00234; ExAC below 0.00001; 1000 Genomes Project 0.00040; 1000 Genomes Project 30x 0.00047; gnomAD exomes 0.00174.
gnomAD v4.1: 5,391 of 1,219,838 alleles (0.44%); highest among the groups gnomAD compares: Non-Finnish European, 0.52%; 17 homozygotes.

Submissions (4):

CeGaT Center for Human Genetics Tuebingen
Classification: Likely benign. Last evaluated: 2026-05-01. Review status: criteria provided, single submitter. Criteria: CeGaT Center For Human Genetics Tuebingen Variant Classification Criteria Version 2. Collection method: clinical testing. Allele origin: germline. Affected: yes. Observed: 1 variant allele.
Comment: KLF13: BS2

Ambry Genetics
Classification: Uncertain significance. Last evaluated: 2021-08-16. Review status: criteria provided, single submitter. Criteria: Ambry Variant Classification Scheme 2023. Collection method: clinical testing. Allele origin: germline.

Labcorp Genetics (formerly Invitae), Labcorp
Classification: Likely benign. Last evaluated: 2019-12-31. Review status: criteria provided, single submitter. Criteria: Invitae Variant Classification Sherloc (09022015). Collection method: clinical testing. Allele origin: germline.

Breakthrough Genomics
Classification: Likely benign. Review status: criteria provided, single submitter. Criteria: ACMG Guidelines, 2015. Collection method: not provided. Allele origin: germline. Inheritance: Unknown mechanism. Affected: yes.